The following is an entry in ClinVar:

NM_002769.5(PRSS1):c.539C>T (p.Thr180Ile)

Genes: PRSS1 (serine protease 1; plus strand), TRB (T cell receptor beta locus; plus strand). Cytogenetic location: 7q34.
Variant type: single nucleotide variant.
Coding change: c.539C>T on transcript NM_002769.5 (MANE Select); coding-DNA position 539, C replaced by T.
Protein change: p.Thr180Ile; replaces threonine 180 with isoleucine.
Molecular consequence: missense variant. On other transcripts: non-coding transcript variant (5).
Genome position (GRCh38, 1-based): chr7:142,752,515, C>T. VCF-style: chr7-142752515-C-T. GRCh37 (hg19) VCF-style: chr7-142460366-C-T.
Other names: short protein forms T180I.
Identifiers: ClinVar variation 3310661 (VCV003310661.1).

ClinVar aggregate classification (germline): Uncertain significance (1 of 4 stars; one submission).

Conditions:
Hereditary pancreatitis (PCTT). Also called: PRSS1-Related Hereditary Pancreatitis; Hereditary chronic pancreatitis. Identifiers: Orphanet 676, MedGen C0238339, MONDO:0008185, OMIM 167800.

gnomAD v4.1: 3 of 1,614,216 alleles (0.00019%); highest among the groups gnomAD compares: African/African-American, 0.0013%; no homozygotes.

Submission:

Ambry Genetics
Classification: Uncertain significance for Hereditary pancreatitis. Last evaluated: 2024-06-08. Review status: criteria provided, single submitter. Criteria: Ambry Variant Classification Scheme 2023. Collection method: clinical testing. Allele origin: germline.
Comment: The p.T180I variant (also known as c.539C>T), located in coding exon 4 of the PRSS1 gene, results from a C to T substitution at nucleotide position 539. The threonine at codon 180 is replaced by isoleucine, an amino acid with similar properties. This amino acid position is conserved. In addition, the in silico prediction for this alteration is inconclusive. Based on the available evidence, the clinical significance of this variant remains unclear.